The following is an entry in ClinVar:

NM_015681.6(B9D1):c.369C>A (p.Val123=)

Gene: B9D1 (B9 domain containing 1; minus strand). Cytogenetic location: 17p11.2.
Variant type: single nucleotide variant.
Coding change: c.369C>A on transcript NM_015681.6 (MANE Select); coding-DNA position 369, C replaced by A.
Protein change: p.Val123=; no amino-acid change (valine 123 retained).
Molecular consequence: synonymous variant.
Genome position (GRCh38, 1-based): chr17:19,347,304, G>T on the plus strand (C>A on the coding strand, the complement: B9D1 is on the minus strand). VCF-style: chr17-19347304-G-T. GRCh37 (hg19) VCF-style: chr17-19250617-G-T.
Other names: NM_001243475.2:c.296C>A; c.369C>A, p.Val123= (NM_001321214.2, NM_001321215.3, NM_001321216.2 and 4 more transcripts); c.9C>A, p.Val3= (NM_001368769.2).
Identifiers: ClinVar variation 696952 (VCV000696952.13), dbSNP rs138240520, ClinGen allele CA8440242.
Genomic context (GRCh38, chr17:19,347,304, plus strand): 5'-CTGGGGTTATGGGTACAAAACTCACCTTGTAAACTTCTGCAGTTTAGACGTAGATTCTGG[G>T]ACAAACATGGGGATGGTCCTTTTGTGCCTGAAACAAATGTTTTTGCAGACAGAGATGCTG-3'
Protein context (NP_056496.1, residues 113-133): GRHKRTIPMF[Val123=]PESTSKLQKF

ClinVar aggregate classification (germline): Likely benign. Review status: criteria provided, multiple submitters, no conflicts (2 of 4 stars). 4 submissions from 4 submitters: Likely benign (4). Last evaluated 2026-07-01.

Conditions:
B9D1-related disorder. Also called: B9D1-related condition; B9D1-related disorders.
Meckel-Gruber syndrome. Also called: Dysencephalia splachnocystica; GRUBER SYNDROME; DYSENCEPHALIA SPLANCHNOCYSTICA. Identifiers: Orphanet 564, MedGen C0265215, MONDO:0018921.
Joubert syndrome. Also called: Familial aplasia of the vermis; JOUBERT-BOLTSHAUSER SYNDROME. Identifiers: Orphanet 475, MedGen C5979921, MONDO:0018772.

Allele frequency attached by ClinVar (database versions not stated): ExAC 0.00007; ESP Exome Variant Server 0.00015; gnomAD 0.00019 and 0.00021; TOPMed 0.00027; 1000 Genomes Project 0.00060; 1000 Genomes Project 30x 0.00062.
gnomAD v4.1: 138 of 1,614,200 alleles (0.0085%); highest among the groups gnomAD compares: Admixed American, 0.062%; 1 homozygote.

Submissions (4):

CeGaT Center for Human Genetics Tuebingen
Classification: Likely benign. Last evaluated: 2026-07-01. Review status: criteria provided, single submitter. Criteria: CeGaT Center For Human Genetics Tuebingen Variant Classification Criteria Version 2. Collection method: clinical testing. Allele origin: germline. Affected: yes. Observed: 1 variant allele.
Comment: B9D1: BP4, BP7

PreventionGenetics, part of Exact Sciences
Classification: Likely benign for B9D1-related condition. Last evaluated: 2026-04-08. Review status: criteria provided, single submitter. Criteria: ACMG Guidelines, 2015. Collection method: clinical testing. Allele origin: germline.
Comment: This variant is classified as likely benign based on ACMG/AMP sequence variant interpretation guidelines (Richards et al. 2015 PMID: 25741868, with internal and published modifications).

Labcorp Genetics (formerly Invitae), Labcorp
Classification: Likely benign for Joubert syndrome; Meckel-Gruber syndrome. Last evaluated: 2026-02-01. Review status: criteria provided, single submitter. Criteria: Invitae Variant Classification Sherloc (09022015). Collection method: clinical testing. Allele origin: germline.

Blueprint Genetics
Classification: Likely benign. Last evaluated: 2024-11-13. Review status: criteria provided, single submitter. Criteria: ACMG Guidelines, 2015. Collection method: clinical testing. Allele origin: germline.